The following is an entry in ClinVar:

ClinVar aggregate classification (germline): Likely benign. Review status: criteria provided, multiple submitters, no conflicts (2 of 4 stars). 6 submissions from 6 submitters: Likely benign (6). Last evaluated 2026-06-01.

Conditions:
Beckwith-Wiedemann syndrome (BWS). Also called: EMG SYNDROME; Exomphalos macroglossia gigantism syndrome. Identifiers: Orphanet 116, MedGen C0004903, MONDO:0007534, OMIM 130650.

Allele frequency attached by ClinVar (database versions not stated): gnomAD 0.00004.

Submissions (6):

CeGaT Center for Human Genetics Tuebingen
Classification: Likely benign. Last evaluated: 2026-06-01. Review status: criteria provided, single submitter. Criteria: CeGaT Center For Human Genetics Tuebingen Variant Classification Criteria Version 2. Collection method: clinical testing. Allele origin: germline. Affected: yes. Observed: 2 variant alleles.
Comment: CDKN1C: BP4, BP7

Labcorp Genetics (formerly Invitae), Labcorp
Classification: Likely benign for Beckwith-Wiedemann syndrome. Last evaluated: 2026-01-26. Review status: criteria provided, single submitter. Criteria: Invitae Variant Classification Sherloc (09022015). Collection method: clinical testing. Allele origin: germline.

Blueprint Genetics
Classification: Likely benign. Last evaluated: 2024-05-24. Review status: criteria provided, single submitter. Criteria: ACMG Guidelines, 2015. Collection method: clinical testing. Allele origin: germline.

GeneDx
Classification: Likely benign. Last evaluated: 2021-01-07. Review status: criteria provided, single submitter. Criteria: GeneDx Variant Classification Process June 2021. Collection method: clinical testing. Allele origin: germline. Affected: yes.
Comment: Not observed in large population cohorts (Lek et al., 2016)

Breakthrough Genomics
Classification: Likely benign. Review status: criteria provided, single submitter. Criteria: ACMG Guidelines, 2015. Collection method: not provided. Allele origin: germline. Inheritance: Autosomal dominant inheritance. Affected: yes.

PreventionGenetics, part of Exact Sciences
Classification: Likely benign. Review status: criteria provided, single submitter. Criteria: ACMG Guidelines, 2015. Collection method: clinical testing. Allele origin: germline.

NM_001122630.2(CDKN1C):c.534T>C (p.Ala178=)

Gene: CDKN1C (cyclin dependent kinase inhibitor 1C; minus strand). Cytogenetic location: 11p15.4.
Variant type: single nucleotide variant.
Coding change: c.534T>C on transcript NM_001122630.2 (MANE Select); coding-DNA position 534, T replaced by C.
Protein change: p.Ala178=; no amino-acid change (alanine 178 retained).
Molecular consequence: synonymous variant. On other transcripts: intron variant (1).
Genome position (GRCh38, 1-based): chr11:2,884,923, A>G on the plus strand (T>C on the coding strand, the complement: CDKN1C is on the minus strand). VCF-style: chr11-2884923-A-G. GRCh37 (hg19) VCF-style: chr11-2906153-A-G.
Other names: c.567T>C, p.Ala189= (LRG_533t1, NM_000076.2, NM_001362474.2); c.534T>C, p.Ala178= (NM_001122631.2); c.255+279T>C (NM_001362475.2).
Identifiers: ClinVar variation 254881 (VCV000254881.37), dbSNP rs112196492, ClinGen allele CA10587114.